The following is an entry in ClinVar:

ClinVar aggregate classification (germline): Benign. Review status: criteria provided, multiple submitters, no conflicts (2 of 4 stars). 3 submissions from 3 submitters: Benign (3). Last evaluated 2023-10-16.

Conditions:
Deficiency of acetyl-CoA acetyltransferase. Also called: Beta-ketothiolase deficiency; 3-KETOTHIOLASE DEFICIENCY; 3-OXOTHIOLASE DEFICIENCY; MITOCHONDRIAL ACETOACETYL-CoA THIOLASE DEFICIENCY. Identifiers: Orphanet 134, MedGen C1536500, MONDO:0008760, OMIM 203750. Disease mechanism: loss of function.

Allele frequency attached by ClinVar (database versions not stated): gnomAD exomes 0.00462; ExAC 0.00952; gnomAD 0.02064 and 0.02192; ESP Exome Variant Server 0.02081; TOPMed 0.02275; 1000 Genomes Project 30x 0.02327; 1000 Genomes Project 0.02376.
gnomAD v4.1: 5,885 of 1,550,244 alleles (0.38%); highest among the groups gnomAD compares: African/African-American, 6.9%; 197 homozygotes.

Submissions (3):

ARUP Laboratories, Molecular Genetics and Genomics, ARUP Laboratories
Classification: Benign for Deficiency of acetyl-CoA acetyltransferase. Last evaluated: 2023-10-16. Review status: criteria provided, single submitter. Criteria: ARUP Molecular Germline Variant Investigation Process 2024. Collection method: clinical testing. Allele origin: germline.

Illumina Laboratory Services, Illumina
Classification: Benign for Deficiency of acetyl-CoA acetyltransferase. Last evaluated: 2018-01-13. Review status: criteria provided, single submitter. Criteria: ICSL Variant Classification Criteria 13 December 2019. Collection method: clinical testing. Allele origin: germline.
Comment: This variant was observed in the ICSL laboratory as part of a predisposition screen in an ostensibly healthy population. It had not been previously curated by ICSL or reported in the Human Gene Mutation Database (HGMD: prior to June 1st, 2018), and was therefore a candidate for classification through an automated scoring system. Utilizing variant allele frequency, disease prevalence and penetrance estimates, and inheritance mode, an automated score was calculated to assess if this variant is too frequent to cause the disease. Based on the score and internal cut-off values, a variant classified as benign is not then subjected to further curation. The score for this variant resulted in a classification of benign for this disease.

Eurofins Ntd Llc (ga)
Classification: Benign. Last evaluated: 2014-06-09. Review status: criteria provided, single submitter. Criteria: EGL Classification Definitions 2015. Collection method: clinical testing. Allele origin: germline. Observed: 6 variant alleles, 6 heterozygotes.

NM_000019.4(ACAT1):c.-15C>G

Gene: ACAT1 (acetyl-CoA acetyltransferase 1; plus strand). Cytogenetic location: 11q22.3.
Variant type: single nucleotide variant.
Coding change: c.-15C>G on transcript NM_000019.4 (MANE Select); 15 bases upstream of the start codon, C replaced by G.
Molecular consequence: 5 prime UTR variant.
Genome position (GRCh38, 1-based): chr11:108,121,592, C>G. VCF-style: chr11-108121592-C-G. GRCh37 (hg19) VCF-style: chr11-107992319-C-G.
Other names: c.-15C>G (LRG_1400t1).
Identifiers: ClinVar variation 166648 (VCV000166648.12), dbSNP rs113348145, ClinGen allele CA179709.
Genomic context (GRCh38, chr11:108,121,592, plus strand): 5'-GCCGCTAGGGGTGCGGGGTTGGGGAGGAGGCCGCTAGTCTACGCCTGTGGAGCCGATACT[C>G]AGCCCTCTGCGACCATGGCTGTGCTGGCGGCACTTCTGCGCAGCGGCGCCCGCAGCCGCA-3'